The following is an entry in ClinVar:

ClinVar aggregate classification (germline): Likely pathogenic (1 of 4 stars; one submission).

Submission:

Labcorp Genetics (formerly Invitae), Labcorp
Classification: Likely pathogenic. Last evaluated: 2023-05-08. Review status: criteria provided, single submitter. Criteria: Invitae Variant Classification Sherloc (09022015). Collection method: clinical testing. Allele origin: germline.
Comment: Advanced modeling of protein sequence and biophysical properties (such as structural, functional, and spatial information, amino acid conservation, physicochemical variation, residue mobility, and thermodynamic stability) performed at Invitae indicates that this missense variant is expected to disrupt ABCA4 protein function. ClinVar contains an entry for this variant (Variation ID: 1053738). This missense change has been observed in individual(s) with clinical features of Stargardt disease (Invitae). This variant is not present in population databases (gnomAD no frequency). This sequence change replaces proline, which is neutral and non-polar, with threonine, which is neutral and polar, at codon 62 of the ABCA4 protein (p.Pro62Thr). This variant disrupts the p.Pro62 amino acid residue in ABCA4. Other variant(s) that disrupt this residue have been determined to be pathogenic (PMID: 21911583, 22229821, 25066811, 28446513, 33546218). This suggests that this residue is clinically significant, and that variants that disrupt this residue are likely to be disease-causing. In summary, the currently available evidence indicates that the variant is pathogenic, but additional data are needed to prove that conclusively. Therefore, this variant has been classified as Likely Pathogenic.

Literature cited by the submitters: PubMed 21911583; PubMed 22229821; PubMed 25066811; PubMed 28446513; PubMed 33546218.

NM_000350.3(ABCA4):c.184C>A (p.Pro62Thr)

Gene: ABCA4 (ATP binding cassette subfamily A member 4; minus strand). Cytogenetic location: 1p22.1.
Variant type: single nucleotide variant.
Coding change: c.184C>A on transcript NM_000350.3 (MANE Select); coding-DNA position 184, C replaced by A.
Protein change: p.Pro62Thr; replaces proline 62 with threonine.
Molecular consequence: missense variant.
Genome position (GRCh38, 1-based): chr1:94,111,556, G>T on the plus strand (C>A on the coding strand, the complement: ABCA4 is on the minus strand). VCF-style: chr1-94111556-G-T. GRCh37 (hg19) VCF-style: chr1-94577112-G-T.
Other names: c.184C>A, p.Pro62Thr (NM_001425324.1); short protein forms P62T.
Identifiers: ClinVar variation 1053738 (VCV001053738.9), dbSNP rs1355238974, ClinGen allele CA341285595.